The following is an entry in ClinVar:

NM_000540.3(RYR1):c.9874C>A (p.Pro3292Thr)

Gene: RYR1 (ryanodine receptor 1; plus strand). Cytogenetic location: 19q13.2.
Variant type: single nucleotide variant.
Coding change: c.9874C>A on transcript NM_000540.3 (MANE Select); coding-DNA position 9874, C replaced by A.
Protein change: p.Pro3292Thr; replaces proline 3292 with threonine.
Molecular consequence: missense variant.
Genome position (GRCh38, 1-based): chr19:38,517,547, C>A. VCF-style: chr19-38517547-C-A. GRCh37 (hg19) VCF-style: chr19-39008187-C-A.
Other names: c.9874C>A, p.Pro3292Thr (NM_001042723.2); short protein forms P3292T.
Identifiers: ClinVar variation 2173205 (VCV002173205.3), dbSNP rs144135230, ClinGen allele CA405692527.

ClinVar aggregate classification (germline): Uncertain significance. Review status: criteria provided, multiple submitters, no conflicts (2 of 4 stars). 2 submissions from 2 submitters: Uncertain significance (2). Last evaluated 2025-07-04.

Conditions:
RYR1-related disorder. Also called: RYR1-related condition; RYR1-related disorders. Identifiers: MedGen CN239331.
Malignant hyperthermia, susceptibility to, 1 (MHS1). Also called: Anesthesia related hyperthermia; Malignant hyperpyrexia; Fulminating hyperpyrexia; Pharmacogenic myopathy; RYR1-Related Malignant Hyperthermia Susceptibility; Malignant hyperthermia suceptibility 1. Identifiers: Orphanet 423, MedGen C2930980, MONDO:0007783, OMIM 145600.

gnomAD v4.1: 7 of 1,613,784 alleles (0.00043%); highest among the groups gnomAD compares: Non-Finnish European, 0.00059%; no homozygotes.

Submissions (2):

Labcorp Genetics (formerly Invitae), Labcorp
Classification: Uncertain significance for RYR1-related disorder. Last evaluated: 2025-07-04. Review status: criteria provided, single submitter. Criteria: Invitae Variant Classification Sherloc (09022015). Collection method: clinical testing. Allele origin: germline.
Comment: This sequence change replaces proline, which is neutral and non-polar, with threonine, which is neutral and polar, at codon 3292 of the RYR1 protein (p.Pro3292Thr). This variant is not present in population databases (gnomAD no frequency). This variant has not been reported in the literature in individuals affected with RYR1-related conditions. ClinVar contains an entry for this variant (Variation ID: 2173205). Invitae Evidence Modeling of protein sequence and biophysical properties (such as structural, functional, and spatial information, amino acid conservation, physicochemical variation, residue mobility, and thermodynamic stability) indicates that this missense variant is not expected to disrupt RYR1 protein function with a negative predictive value of 80%. In summary, the available evidence is currently insufficient to determine the role of this variant in disease. Therefore, it has been classified as a Variant of Uncertain Significance.

All of Us Research Program, National Institutes of Health
Classification: Uncertain significance for Malignant hyperthermia, susceptibility to, 1. Last evaluated: 2023-11-20. Review status: criteria provided, single submitter. Criteria: ACMG Guidelines, 2015. Collection method: clinical testing. Allele origin: germline. Inheritance: Autosomal dominant inheritance. Observed: 3 variant alleles, 3 heterozygotes.
Comment: This missense variant replaces proline with threonine at codon 3292 of the RYR1 protein. Computational prediction suggests that this variant may not impact protein structure and function (internally defined REVEL score threshold <= 0.5, PMID: 27666373). To our knowledge, functional studies have not been reported for this variant. This variant has not been reported in individuals affected with RYR1-related disorders in the literature. This variant has not been identified in the general population by the Genome Aggregation Database (gnomAD). The available evidence is insufficient to determine the role of this variant in disease conclusively. Therefore, this variant is classified as a Variant of Uncertain Significance.

This study involves interpretation of variants in research participants for the purpose of population health screening. Participant phenotype was not available at the time of variant classification. Additional details can be found in publication PMID: 35346344, PMCID: PMC8962531